The following is an entry in ClinVar:

NM_177438.3(DICER1):c.5103C>G (p.Tyr1701Ter)

Gene: DICER1 (dicer 1, ribonuclease III; minus strand). Cytogenetic location: 14q32.13.
Variant type: single nucleotide variant.
Coding change: c.5103C>G on transcript NM_177438.3 (MANE Select); coding-DNA position 5103, C replaced by G.
Protein change: p.Tyr1701Ter; replaces tyrosine 1701 with a stop codon.
Molecular consequence: nonsense.
Genome position (GRCh38, 1-based): chr14:95,094,149, G>C on the plus strand (C>G on the coding strand, the complement: DICER1 is on the minus strand). VCF-style: chr14-95094149-G-C. GRCh37 (hg19) VCF-style: chr14-95560486-G-C.
Other names: c.5103C>G, p.Tyr1701Ter (NM_001195573.1, NM_001271282.3, NM_001291628.2 and 1 more transcripts); short protein forms Y1701*.
Identifiers: ClinVar variation 523888 (VCV000523888.14), dbSNP rs875989780, ClinGen allele CA390865441.

ClinVar aggregate classification (germline): Pathogenic. Review status: criteria provided, multiple submitters, no conflicts (2 of 4 stars). 4 submissions from 4 submitters: Pathogenic (4). Last evaluated 2024-12-22.

Conditions:
DICER1-related tumor predisposition. Also called: DICER1-related pleuropulmonary blastoma cancer predisposition syndrome; DICER1 syndrome. Identifiers: Orphanet 284343, MedGen C3839822, MONDO:0100216.
Hereditary cancer-predisposing syndrome. Also called: Neoplastic Syndromes, Hereditary; Tumor predisposition; Hereditary Cancer Syndrome; Hereditary neoplastic syndrome. Identifiers: Orphanet 140162, MedGen C0027672, MeSH D009386, MONDO:0015356.

Submissions (4):

Labcorp Genetics (formerly Invitae), Labcorp
Classification: Pathogenic for DICER1-related tumor predisposition. Last evaluated: 2024-12-22. Review status: criteria provided, single submitter. Criteria: Invitae Variant Classification Sherloc (09022015). Collection method: clinical testing. Allele origin: germline.
Comment: This sequence change creates a premature translational stop signal (p.Tyr1701*) in the DICER1 gene. It is expected to result in an absent or disrupted protein product. Loss-of-function variants in DICER1 are known to be pathogenic (PMID: 19556464, 21266384). This variant is not present in population databases (gnomAD no frequency). This premature translational stop signal has been observed in individual(s) with pineoblastoma and thyroid nodule (PMID: 25022261). ClinVar contains an entry for this variant (Variation ID: 523888). For these reasons, this variant has been classified as Pathogenic.

Institute for Genomic Medicine (IGM) Clinical Laboratory, Nationwide Children's Hospital
Classification: Pathogenic for DICER1-related tumor predisposition. Last evaluated: 2023-04-20. Review status: criteria provided, single submitter. Criteria: ACMG Guidelines, 2015. Collection method: clinical testing. Allele origin: germline.
Comment: This variant is predicted to result in loss of function through nonsense-mediated decay of the encoded transcript or premature truncation of the encoded protein in a gene in which loss of function is a known mechanism of disease (ACMG/AMP: PVS1; PMIDs:19556464, 21266384, 25022261, 28960912). This variant has been reported at an elevated frequency in affected individuals/in multiple affected individuals in the literature (ACMG/AMP: PS4_Supporting; PMID:25022261). This variant is absent from or present at an exceedingly low frequency in gnomAD, a large-scale control population database (ACMG/AMP: PM2).

Ambry Genetics
Classification: Pathogenic for Hereditary cancer-predisposing syndrome. Last evaluated: 2019-07-01. Review status: criteria provided, single submitter. Criteria: Ambry Variant Classification Scheme 2023. Collection method: clinical testing. Allele origin: germline.
Comment: The p.Y1701* pathogenic mutation (also known as c.5103C>G), located in coding exon 23 of the DICER1 gene, results from a C to G substitution at nucleotide position 5103. This changes the amino acid from a tyrosine to a stop codon within coding exon 23. This alteration is expected to result in loss of function by premature protein truncation or nonsense-mediated mRNA decay. As such, this alteration is interpreted as a disease-causing mutation.

GeneDx
Classification: Pathogenic. Last evaluated: 2018-04-27. Review status: criteria provided, single submitter. Criteria: GeneDx Variant Classification (06012015). Collection method: clinical testing. Allele origin: germline. Affected: yes.
Comment: The Y1701X variant in the DICER1 gene has not been reported previously as a pathogenic variant nor as a benign variant, to our knowledge. However, a different nucleotide substitution (c.5103 C>A) resulting in the Y1701X variant has been reported previously in an individual with a pineoblastoma (de Kock et al., 2014). The Y1701X variant is predicted to cause loss of normal protein function either through protein truncation or nonsense-mediated mRNA decay. The Y1701X variant is not observed in large population cohorts (Lek et al., 2016). We interpret Y1701X as a pathogenic variant.

Literature cited by the submitters: PubMed 19556464 (cited by Labcorp Genetics (formerly Invitae), Labcorp and Institute for Genomic Medicine (IGM) Clinical Laboratory, Nationwide Children's Hospital); PubMed 21266384 (cited by Labcorp Genetics (formerly Invitae), Labcorp and Institute for Genomic Medicine (IGM) Clinical Laboratory, Nationwide Children's Hospital); PubMed 25022261 (cited by Labcorp Genetics (formerly Invitae), Labcorp and Institute for Genomic Medicine (IGM) Clinical Laboratory, Nationwide Children's Hospital); PubMed 28960912 (cited by Institute for Genomic Medicine (IGM) Clinical Laboratory, Nationwide Children's Hospital).